The following is an entry in ClinVar:

ClinVar aggregate classification (germline): Uncertain significance. Review status: criteria provided, multiple submitters, no conflicts (2 of 4 stars). 2 submissions from 2 submitters: Uncertain significance (2). Last evaluated 2024-11-11.

Conditions:
Ateleiotic dwarfism (IGHD1A). Also called: PITUITARY DWARFISM I; SEXUAL ATELEIOTIC DWARFISM; IGHD IA; Isolated growth hormone deficiency type 1A; Growth hormone deficiency, isolated autosomal recessive; ILLIG type growth hormone deficiency. Identifiers: Orphanet 231662, Orphanet 631, MedGen C0342573, MONDO:0009876, OMIM 262400.

Allele frequency attached by ClinVar (database versions not stated): ExAC 0.00001; gnomAD 0.00001; gnomAD exomes 0.00002; TOPMed 0.00002.
gnomAD v4.1: 29 of 1,613,876 alleles (0.0018%); highest among the groups gnomAD compares: Admixed American, 0.0033%; no homozygotes.

Submissions (2):

Labcorp Genetics (formerly Invitae), Labcorp
Classification: Uncertain significance. Last evaluated: 2024-11-11. Review status: criteria provided, single submitter. Criteria: Invitae Variant Classification Sherloc (09022015). Collection method: clinical testing. Allele origin: germline.
Comment: This sequence change replaces threonine, which is neutral and polar, with serine, which is neutral and polar, at codon 168 of the GH1 protein (p.Thr168Ser). This variant is present in population databases (rs771280061, gnomAD 0.004%). This variant has not been reported in the literature in individuals affected with GH1-related conditions. ClinVar contains an entry for this variant (Variation ID: 982612). An algorithm developed to predict the effect of missense changes on protein structure and function (PolyPhen-2) suggests that this variant is likely to be tolerated. In summary, the available evidence is currently insufficient to determine the role of this variant in disease. Therefore, it has been classified as a Variant of Uncertain Significance.

Institute of Human Genetics, University of Leipzig Medical Center
Classification: Uncertain significance for Ateleiotic dwarfism. Last evaluated: 2019-01-01. Review status: criteria provided, single submitter. Criteria: ACMG Guidelines, 2015. Collection method: clinical testing. Allele origin: unknown. Affected: yes.

NM_000515.5(GH1):c.502A>T (p.Thr168Ser)

Genes: GH-LCR (growth hormone locus control region; plus strand), GH1 (growth hormone 1; minus strand). Cytogenetic location: 17q23.3.
Variant type: single nucleotide variant.
Coding change: c.502A>T on transcript NM_000515.5 (MANE Select); coding-DNA position 502, A replaced by T.
Protein change: p.Thr168Ser; replaces threonine 168 with serine.
Molecular consequence: missense variant.
Genome position (GRCh38, 1-based): chr17:63,917,461, T>A on the plus strand (A>T on the coding strand, the complement: GH1 is on the minus strand). VCF-style: chr17-63917461-T-A. GRCh37 (hg19) VCF-style: chr17-61994821-T-A.
Other names: c.457A>T, p.Thr153Ser (NM_022559.4); c.382A>T, p.Thr128Ser (NM_022560.4); short protein forms T128S, T153S, T168S.
Identifiers: ClinVar variation 982612 (VCV000982612.4), dbSNP rs771280061, ClinGen allele CA8708136.